The following is an entry in ClinVar:

ClinVar aggregate classification (germline): Uncertain significance (1 of 4 stars; one submission).

Conditions:
Autosomal recessive severe congenital neutropenia due to CSF3R deficiency. Also called: Neutropenia, severe congenital, 7, autosomal recessive. Identifiers: Orphanet 420702, MedGen C4310764, MONDO:0014865, OMIM 617014.

Submission:

Labcorp Genetics (formerly Invitae), Labcorp
Classification: Uncertain significance for Autosomal recessive severe congenital neutropenia due to CSF3R deficiency. Last evaluated: 2025-01-20. Review status: criteria provided, single submitter. Criteria: Invitae Variant Classification Sherloc (09022015). Collection method: clinical testing. Allele origin: germline.
Comment: This sequence change replaces glutamic acid, which is acidic and polar, with lysine, which is basic and polar, at codon 24 of the CSF3R protein (p.Glu24Lys). This variant is not present in population databases (gnomAD no frequency). This variant has not been reported in the literature in individuals affected with CSF3R-related conditions. An algorithm developed to predict the effect of missense changes on protein structure and function (PolyPhen-2) suggests that this variant is likely to be tolerated. In summary, the available evidence is currently insufficient to determine the role of this variant in disease. Therefore, it has been classified as a Variant of Uncertain Significance.

NM_000760.4(CSF3R):c.70G>A (p.Glu24Lys)

Gene: CSF3R (colony stimulating factor 3 receptor; minus strand). Cytogenetic location: 1p34.3.
Variant type: single nucleotide variant.
Coding change: c.70G>A on transcript NM_000760.4 (MANE Select); coding-DNA position 70, G replaced by A.
Protein change: p.Glu24Lys; replaces glutamic acid 24 with lysine.
Molecular consequence: missense variant.
Genome position (GRCh38, 1-based): chr1:36,475,668, C>T on the plus strand (G>A on the coding strand, the complement: CSF3R is on the minus strand). VCF-style: chr1-36475668-C-T. GRCh37 (hg19) VCF-style: chr1-36941269-C-T.
Other names: c.70G>A, p.Glu24Lys (NM_156039.3, NM_172313.3); short protein forms E24K.
Identifiers: ClinVar variation 3692942 (VCV003692942.2).